The following is an entry in ClinVar:

ClinVar aggregate classification (germline): Uncertain significance (1 of 4 stars; one submission).

Submission:

Ambry Genetics
Classification: Uncertain significance. Last evaluated: 2024-06-15. Review status: criteria provided, single submitter. Criteria: Ambry Variant Classification Scheme 2023. Collection method: clinical testing. Allele origin: germline.
Comment: The p.K573N variant (also known as c.1719A>C), located in coding exon 10 of the GALNT12 gene, results from an A to C substitution at nucleotide position 1719. The lysine at codon 573 is replaced by asparagine, an amino acid with similar properties. This amino acid position is well conserved in available vertebrate species. In addition, this alteration is predicted to be tolerated by in silico analysis. Since supporting evidence is limited at this time, the clinical significance of this alteration remains unclear.

NM_024642.5(GALNT12):c.1719A>C (p.Lys573Asn)

Gene: GALNT12 (polypeptide N-acetylgalactosaminyltransferase 12; plus strand). Cytogenetic location: 9q22.33.
Variant type: single nucleotide variant.
Coding change: c.1719A>C on transcript NM_024642.5 (MANE Select); coding-DNA position 1719, A replaced by C.
Protein change: p.Lys573Asn; replaces lysine 573 with asparagine.
Molecular consequence: missense variant.
Genome position (GRCh38, 1-based): chr9:98,849,065, A>C. VCF-style: chr9-98849065-A-C. GRCh37 (hg19) VCF-style: chr9-101611347-A-C.
Other names: short protein forms K573N.
Identifiers: ClinVar variation 1778678 (VCV001778678.3), dbSNP rs1229125483, ClinGen allele CA374223325.